The following is an entry in ClinVar:

ClinVar aggregate classification (germline): Uncertain significance (1 of 4 stars; one submission).

Conditions:
Inborn genetic diseases. Identifiers: MedGen C0950123, MeSH D030342.

Submission:

Ambry Genetics
Classification: Uncertain significance for Inborn genetic diseases. Last evaluated: 2026-08-03. Review status: criteria provided, single submitter. Criteria: Ambry Variant Classification Scheme 2023. Collection method: clinical testing. Allele origin: germline.
Comment: The p.N339K variant (also known as c.1017C>A), located in coding exon 4 of the SH2B3 gene, results from a C to A substitution at nucleotide position 1017. The asparagine at codon 339 is replaced by lysine, an amino acid with similar properties. This amino acid position is conserved. In addition, this alteration is predicted to be tolerated by in silico analysis. Based on the available evidence, the clinical significance of this variant remains unclear.

NM_005475.3(SH2B3):c.1017C>A (p.Asn339Lys)

Gene: SH2B3 (SH2B adaptor protein 3; plus strand). Cytogenetic location: 12q24.12.
Variant type: single nucleotide variant.
Coding change: c.1017C>A on transcript NM_005475.3 (MANE Select); coding-DNA position 1017, C replaced by A.
Protein change: p.Asn339Lys; replaces asparagine 339 with lysine.
Molecular consequence: missense variant.
Genome position (GRCh38, 1-based): chr12:111,447,215, C>A. VCF-style: chr12-111447215-C-A. GRCh37 (hg19) VCF-style: chr12-111885019-C-A.
Other names: c.411C>A, p.Asn137Lys (NM_001291424.1); short protein forms N137K, N339K.
Identifiers: ClinVar variation 5029492 (VCV005029492.1).
Genomic context (GRCh38, chr12:111,447,215, plus strand): 5'-TCCCTCAGCCCTAGAGCCTAGCACGTCCAGCTCCCCAAGGGGCAGCACAGATTCCCTTAA[C>A]CAAGGTGGGTAAACCAATAGCTAGGCCATTGTCTTCTGGGTACGCTGGAACCCAGACTCA-3'
Protein context (NP_005466.1, residues 329-349): SSPRGSTDSL[Asn339Lys]QGASPGGLLD